The following is an entry in ClinVar:

ClinVar aggregate classification (germline): Uncertain significance (1 of 4 stars; one submission).

Allele frequency attached by ClinVar (database versions not stated): gnomAD exomes below 0.00001; TOPMed below 0.00001; gnomAD 0.00001.
gnomAD v4.1: 5 of 1,613,456 alleles (0.00031%); highest among the groups gnomAD compares: South Asian, 0.0022%; no homozygotes.

Submission:

Labcorp Genetics (formerly Invitae), Labcorp
Classification: Uncertain significance. Last evaluated: 2023-03-08. Review status: criteria provided, single submitter. Criteria: Invitae Variant Classification Sherloc (09022015). Collection method: clinical testing. Allele origin: germline.
Comment: An algorithm developed to predict the effect of missense changes on protein structure and function (PolyPhen-2) suggests that this variant is likely to be disruptive. In summary, the available evidence is currently insufficient to determine the role of this variant in disease. Therefore, it has been classified as a Variant of Uncertain Significance. ClinVar contains an entry for this variant (Variation ID: 1358255). This sequence change replaces proline, which is neutral and non-polar, with serine, which is neutral and polar, at codon 107 of the ITGAM protein (p.Pro107Ser). This variant is present in population databases (no rsID available, gnomAD 0.007%). This variant has not been reported in the literature in individuals affected with ITGAM-related conditions.

NM_000632.4(ITGAM):c.319C>T (p.Pro107Ser)

Genes: ITGAM (integrin subunit alpha M; plus strand), LOC126862331 (P300/CBP strongly-dependent group 1 enhancer GRCh37_chr16:31276375-31277574; plus strand). Cytogenetic location: 16p11.2.
Variant type: single nucleotide variant.
Coding change: c.319C>T on transcript NM_000632.4 (MANE Select); coding-DNA position 319, C replaced by T.
Protein change: p.Pro107Ser; replaces proline 107 with serine.
Molecular consequence: missense variant.
Genome position (GRCh38, 1-based): chr16:31,266,039, C>T. VCF-style: chr16-31266039-C-T. GRCh37 (hg19) VCF-style: chr16-31277360-C-T.
Other names: c.319C>T, p.Pro107Ser (NM_001145808.2); short protein forms P107S.
Identifiers: ClinVar variation 1358255 (VCV001358255.8), dbSNP rs1211489116, ClinGen allele CA395684425.